The following is an entry in ClinVar:

ClinVar aggregate classification (germline): Likely benign (1 of 4 stars; one submission).

Conditions:
RAI1-related disorder. Also called: RAI1-related condition.

Submission:

PreventionGenetics, part of Exact Sciences
Classification: Likely benign for RAI1-related condition. Last evaluated: 2025-05-07. Review status: criteria provided, single submitter. Criteria: ACMG Guidelines, 2015. Collection method: clinical testing. Allele origin: germline.
Comment: This variant is classified as likely benign based on ACMG/AMP sequence variant interpretation guidelines (Richards et al. 2015 PMID: 25741868, with internal and published modifications).

NM_030665.4(RAI1):c.3138G>A (p.Arg1046=)

Gene: RAI1 (retinoic acid induced 1; plus strand). Cytogenetic location: 17p11.2.
Variant type: single nucleotide variant.
Coding change: c.3138G>A on transcript NM_030665.4 (MANE Select); coding-DNA position 3138, G replaced by A.
Protein change: p.Arg1046=; no amino-acid change (arginine 1046 retained).
Molecular consequence: synonymous variant.
Genome position (GRCh38, 1-based): chr17:17,796,086, G>A. VCF-style: chr17-17796086-G-A. GRCh37 (hg19) VCF-style: chr17-17699400-G-A.
Identifiers: ClinVar variation 5001692 (VCV005001692.1).
Genomic context (GRCh38, chr17:17,796,086, plus strand): 5'-CCCTGAATCCTGCACAGGGCCCCCCCAGGGACAGATGGAAGGGGCTGGAGCCCCAGGCCG[G>A]GGGGCCTCGGAAGGGCTCCCCAGGATGTGTACTCGTTCTCTCACGGCCCTGAGTGAGCCC-3'
Protein context (NP_109590.3, residues 1036-1056): GQMEGAGAPG[Arg1046=]GASEGLPRMC